The following is an entry in ClinVar:

ClinVar aggregate classification (germline): Likely benign. Review status: criteria provided, multiple submitters, no conflicts (2 of 4 stars). 2 submissions from 2 submitters: Likely benign (2). Last evaluated 2025-07-13.

Conditions:
GSN-related disorder. Also called: GSN-related condition.

Allele frequency attached by ClinVar (database versions not stated): gnomAD exomes 0.00003; gnomAD 0.00011; TOPMed 0.00012; ExAC 0.00014; 1000 Genomes Project 30x 0.00031; 1000 Genomes Project 0.00040.
gnomAD v4.1: 76 of 1,555,754 alleles (0.0049%); highest among the groups gnomAD compares: African/African-American, 0.062%; 1 homozygote.

Submissions (2):

Labcorp Genetics (formerly Invitae), Labcorp
Classification: Likely benign. Last evaluated: 2025-07-13. Review status: criteria provided, single submitter. Criteria: Invitae Variant Classification Sherloc (09022015). Collection method: clinical testing. Allele origin: germline.

PreventionGenetics, part of Exact Sciences
Classification: Likely benign for GSN-related condition. Last evaluated: 2025-04-29. Review status: criteria provided, single submitter. Criteria: ACMG Guidelines, 2015. Collection method: clinical testing. Allele origin: germline.
Comment: This variant is classified as likely benign based on ACMG/AMP sequence variant interpretation guidelines (Richards et al. 2015 PMID: 25741868, with internal and published modifications).

NM_198252.3(GSN):c.1762+9C>T

Gene: GSN (gelsolin; plus strand). Cytogenetic location: 9q33.2.
Variant type: single nucleotide variant.
Coding change: c.1762+9C>T on transcript NM_198252.3 (MANE Select); 9 bases into the intron after coding-DNA position 1762, C replaced by T.
Molecular consequence: intron variant.
Genome position (GRCh38, 1-based): chr9:121,327,491, C>T. VCF-style: chr9-121327491-C-T. GRCh37 (hg19) VCF-style: chr9-124089769-C-T.
Other names: c.1915+9C>T (NM_000177.4, NM_000177.5); c.1762+9C>T (NM_001353054.1, NM_001353053.1, NM_001353060.2 and 10 more transcripts); c.1795+9C>T (NM_001353064.2, NM_001353066.2, NM_001353073.2 and 13 more transcripts); c.1870+9C>T (NM_001127663.2); c.1834+9C>T (NM_001353076.2); c.1108+9C>T (NM_001353078.2); c.1813+9C>T (NM_001258029.2); c.1786+9C>T (NM_001258030.2).
Identifiers: ClinVar variation 2184013 (VCV002184013.5), dbSNP rs113710160, ClinGen allele CA5221395.